The following is an entry in ClinVar:

NM_001042492.3(NF1):c.7393del (p.Asp2465fs)

Gene: NF1 (neurofibromin 1; plus strand). Cytogenetic location: 17q11.2.
Variant type: Deletion.
Coding change: c.7393del on transcript NM_001042492.3 (MANE Select); coding-DNA position 7393, one base deleted (G; older notation c.7393delG).
Protein change: p.Asp2465fs; shifts the reading frame from aspartic acid 2465.
Molecular consequence: frameshift variant.
Genome position (GRCh38, 1-based): chr17:31,350,254, G deleted. VCF-style (leftmost placement, unchanged base first): chr17-31350253-TG-T. GRCh37 (hg19) VCF-style: chr17-29677271-TG-T.
Other names: c.7330delG (NM_000267.3); c.7330delG, p.Asp2444Ilefs (NM_000267.4); short protein forms D2465fs, D2444fs.
Identifiers: ClinVar variation 655473 (VCV000655473.5), dbSNP rs1597859719, ClinGen allele CA915949846.

ClinVar aggregate classification (germline): Pathogenic (1 of 4 stars; one submission).

Conditions:
Neurofibromatosis, type 1 (NF1). Also called: VON RECKLINGHAUSEN DISEASE; NEUROFIBROMATOSIS, TYPE I, SOMATIC; Peripheral type neurofibromatosis; Neurofibromatosis, type I. Identifiers: Orphanet 636, MedGen C0027831, MONDO:0018975, OMIM 162200. Disease mechanism: loss of function.

Submission:

Labcorp Genetics (formerly Invitae), Labcorp
Classification: Pathogenic for Neurofibromatosis, type 1. Last evaluated: 2018-10-09. Review status: criteria provided, single submitter. Criteria: Invitae Variant Classification Sherloc (09022015). Collection method: clinical testing. Allele origin: germline.
Comment: This variant is not present in population databases (ExAC no frequency). This sequence change creates a premature translational stop signal (p.Asp2444Ilefs*24) in the NF1 gene. It is expected to result in an absent or disrupted protein product. This variant has not been reported in the literature in individuals with NF1-related disease. Loss-of-function variants in NF1 are known to be pathogenic (PMID: 10712197, 23913538). For these reasons, this variant has been classified as Pathogenic.

Literature cited by the submitters: PubMed 10712197; PubMed 23913538.